The following is an entry in ClinVar:

ClinVar aggregate classification (germline): Uncertain significance (1 of 4 stars; one submission).

gnomAD v4.1: 6 of 1,425,642 alleles (0.00042%); highest among the groups gnomAD compares: Non-Finnish European, 0.00055%; no homozygotes.

Submission:

GeneDx
Classification: Uncertain significance. Last evaluated: 2025-08-15. Review status: criteria provided, single submitter. Criteria: GeneDx Variant Classification Process June 2021. Collection method: clinical testing. Allele origin: germline. Affected: yes.
Comment: Not observed at significant frequency in large population cohorts (gnomAD); In silico analysis suggests that this missense variant does not alter protein structure/function; Has not been previously published as pathogenic or benign to our knowledge

NM_183357.3(ADCY5):c.311A>G (p.Gln104Arg)

Gene: ADCY5 (adenylate cyclase 5; minus strand). Cytogenetic location: 3q21.1.
Variant type: single nucleotide variant.
Coding change: c.311A>G on transcript NM_183357.3 (MANE Select); coding-DNA position 311, A replaced by G.
Protein change: p.Gln104Arg; replaces glutamine 104 with arginine.
Molecular consequence: missense variant.
Genome position (GRCh38, 1-based): chr3:123,448,235, T>C on the plus strand (A>G on the coding strand, the complement: ADCY5 is on the minus strand). VCF-style: chr3-123448235-T-C. GRCh37 (hg19) VCF-style: chr3-123167082-T-C.
Other names: c.311A>G, p.Gln104Arg (NM_001378259.1); short protein forms Q104R.
Identifiers: ClinVar variation 4795678 (VCV004795678.1).